The following is an entry in ClinVar:

ClinVar aggregate classification (germline): Conflicting classifications of pathogenicity. Review status: criteria provided, conflicting classifications (1 of 4 stars). 2 submissions from 2 submitters: Uncertain significance (1); Likely benign (1). Last evaluated 2023-03-23.

Conditions:
Hereditary cancer-predisposing syndrome. Also called: Neoplastic Syndromes, Hereditary; Tumor predisposition; Hereditary neoplastic syndrome; Hereditary Cancer Syndrome. Identifiers: Orphanet 140162, MedGen C0027672, MeSH D009386, MONDO:0015356.

Submissions (2):

University of Washington Department of Laboratory Medicine, University of Washington
Classification: Likely benign for Hereditary cancer-predisposing syndrome. Last evaluated: 2023-03-23. Review status: criteria provided, single submitter. Criteria: Dines et al. (Genet Med. 2020). Collection method: curation. Allele origin: germline.
Comment: Missense variant in a coldspot region where missense variants are very unlikely to be pathogenic (PMID:31911673).

BRCA1 coldspot (exon 11 using historical exon numbering). Reclassification based on statistical prior probability

Color Diagnostics, LLC DBA Color Health
Classification: Uncertain significance for Hereditary cancer-predisposing syndrome. Last evaluated: 2019-05-15. Review status: criteria provided, single submitter. Criteria: ACMG Guidelines, 2015. Collection method: clinical testing. Allele origin: germline.

NM_007294.4(BRCA1):c.3504T>G (p.Asn1168Lys)

Genes: BRCA1 (BRCA1 DNA repair associated; minus strand), LOC126862571 (BRD4-independent group 4 enhancer GRCh37_chr17:41243136-41244335; plus strand). Cytogenetic location: 17q21.31.
Variant type: single nucleotide variant.
Coding change: c.3504T>G on transcript NM_007294.4 (MANE Select); coding-DNA position 3504, T replaced by G.
Protein change: p.Asn1168Lys; replaces asparagine 1168 with lysine.
Molecular consequence: missense variant. On other transcripts: intron variant (135).
Genome position (GRCh38, 1-based): chr17:43,092,027, A>C on the plus strand (T>G on the coding strand, the complement: BRCA1 is on the minus strand). VCF-style: chr17-43092027-A-C. GRCh37 (hg19) VCF-style: chr17-41244044-A-C.
Other names: c.3291T>G, p.Asn1097Lys (NM_001407571.1, NM_001407853.1, NM_001407894.1 and 9 more transcripts); c.3504T>G, p.Asn1168Lys (NM_001407581.1, NM_001407582.1, NM_001407583.1 and 30 more transcripts); c.3501T>G, p.Asn1167Lys (NM_001407587.1, NM_001407590.1, NM_001407591.1 and 22 more transcripts); c.3495T>G, p.Asn1165Lys (NM_001407646.1, NM_001407647.1); c.3381T>G, p.Asn1127Lys (NM_001407648.1, NM_001407664.1, NM_001407665.1 and 19 more transcripts); c.3378T>G, p.Asn1126Lys (NM_001407649.1, NM_001407670.1, NM_001407671.1 and 11 more transcripts); c.3168T>G, p.Asn1056Lys (NM_001407958.1, NM_001407954.1, NM_001407955.1 and 1 more transcripts); c.3123T>G, p.Asn1041Lys (NM_001407959.1, NM_001407960.1, NM_001407963.1); and 41 more; short protein forms N1168K, N1121K, N1000K, N1079K, N1080K, N1040K, N1041K, N1098K.
Identifiers: ClinVar variation 628230 (VCV000628230.6), dbSNP rs1458197554, ClinGen allele CA10594963.